The following is an entry in ClinVar:

ClinVar aggregate classification (germline): Uncertain significance (1 of 4 stars; one submission).

Submission:

Labcorp Genetics (formerly Invitae), Labcorp
Classification: Uncertain significance. Last evaluated: 2024-02-13. Review status: criteria provided, single submitter. Criteria: Invitae Variant Classification Sherloc (09022015). Collection method: clinical testing. Allele origin: germline.
Comment: This sequence change replaces threonine, which is neutral and polar, with asparagine, which is neutral and polar, at codon 1411 of the CACNA1F protein (p.Thr1411Asn). This variant is not present in population databases (gnomAD no frequency). This variant has not been reported in the literature in individuals affected with CACNA1F-related conditions. Advanced modeling of protein sequence and biophysical properties (such as structural, functional, and spatial information, amino acid conservation, physicochemical variation, residue mobility, and thermodynamic stability) performed at Invitae indicates that this missense variant is not expected to disrupt CACNA1F protein function with a negative predictive value of 80%. In summary, the available evidence is currently insufficient to determine the role of this variant in disease. Therefore, it has been classified as a Variant of Uncertain Significance.

NM_001256789.3(CACNA1F):c.4199C>A (p.Thr1400Asn)

Gene: CACNA1F (calcium voltage-gated channel subunit alpha1 F; minus strand). Cytogenetic location: Xp11.23.
Variant type: single nucleotide variant.
Coding change: c.4199C>A on transcript NM_001256789.3 (MANE Select); coding-DNA position 4199, C replaced by A.
Protein change: p.Thr1400Asn; replaces threonine 1400 with asparagine.
Molecular consequence: missense variant.
Genome position (GRCh38, 1-based): chrX:49,211,383, G>T on the plus strand (C>A on the coding strand, the complement: CACNA1F is on the minus strand). VCF-style: chrX-49211383-G-T. GRCh37 (hg19) VCF-style: chrX-49067843-G-T.
Other names: c.4037C>A, p.Thr1346Asn (NM_001256790.3); c.4232C>A, p.Thr1411Asn (NM_005183.4); short protein forms T1346N, T1400N, T1411N.
Identifiers: ClinVar variation 2772542 (VCV002772542.3), dbSNP rs2520789514, ClinGen allele CA412961595.
Genomic context (GRCh38, chrX:49,211,383, plus strand): 5'-AGGAAGGCACAGAGCATGAAGAAGCTGATGAAATAGGCGATGGCAAAATTGCTACCACAG[G>T]TAAACTCTTCACCAGGGCCGAAGTCAGACTCAGGATCACACCGATTTCCGGGAAGGCTGG-3'
Protein context (NP_001243718.1, residues 1390-1410): ESDFGPGEEF[Thr1400Asn]CGSNFAIAYF